The following is an entry in ClinVar:

ClinVar aggregate classification (germline): Pathogenic (1 of 4 stars; one submission).

Submission:

Labcorp Genetics (formerly Invitae), Labcorp
Classification: Pathogenic. Last evaluated: 2025-04-11. Review status: criteria provided, single submitter. Criteria: Invitae Variant Classification Sherloc (09022015). Collection method: clinical testing. Allele origin: germline.
Comment: This sequence change creates a premature translational stop signal (p.Gly1092Valfs*19) in the EYS gene. It is expected to result in an absent or disrupted protein product. Loss-of-function variants in EYS are known to be pathogenic (PMID: 18836446, 20333770). This variant is not present in population databases (gnomAD no frequency). This variant has not been reported in the literature in individuals affected with EYS-related conditions. For these reasons, this variant has been classified as Pathogenic.

Literature cited by the submitters: PubMed 18836446; PubMed 20333770.

NM_001142800.2(EYS):c.3275_3288del (p.Gly1092fs)

Gene: EYS (EGF-like photoreceptor maintenance factor; minus strand). Cytogenetic location: 6q12.
Variant type: Deletion.
Coding change: c.3275_3288del on transcript NM_001142800.2 (MANE Select); coding-DNA positions 3275 to 3288, 14 bases deleted (GCTTCTGTCAGAAG).
Protein change: p.Gly1092fs; shifts the reading frame from glycine 1092.
Molecular consequence: frameshift variant.
Genome position (GRCh38, 1-based): chr6:64,813,533-64,813,546, CTTCTGACAGAAGC deleted on the plus strand (GCTTCTGTCAGAAG on the coding strand, the reverse complement: EYS is on the minus strand); deleting any 14 consecutive bases within chr6:64,813,533-64,813,550 gives the same sequence; the c. name uses the placement nearest the transcript's 3' end. VCF-style (leftmost placement, unchanged base first): chr6-64813532-ACTTCTGACAGAAGC-A. GRCh37 (hg19) VCF-style: chr6-65523425-ACTTCTGACAGAAGC-A.
Other names: c.3275_3288del, p.Gly1092fs (NM_001292009.2); short protein forms G1092fs.
Identifiers: ClinVar variation 4716220 (VCV004716220.1).
Genomic context (GRCh38, chr6:64,813,532, plus strand): 5'-TTTTTTCACAGTATGCACCAGTGTATCCACGTGGGCAAATGCAAGTAAATCCATGTGCTG[ACTTCTGACAGAAGC>A]CTTCATTCATACAAGGGATTGATGTGCAGTCCTAGATTAAGAAATAGAGAATCAAATTTG-3'